The following is an entry in ClinVar:

ClinVar aggregate classification (germline): Likely benign. Review status: criteria provided, multiple submitters, no conflicts (2 of 4 stars). 2 submissions from 2 submitters: Likely benign (2). Last evaluated 2025-05-02.

Conditions:
Familial thoracic aortic aneurysm and aortic dissection (TAAD). Also called: Thoracic aortic aneurysms and dissections. Identifiers: Orphanet 91387, MedGen C4707243, MONDO:0019625.
Marfan syndrome (MFS). Also called: Marfan syndrome type 1; Marfan's syndrome; Marfan syndrome, classic; MARFAN SYNDROME, TYPE I; FBN1-Related Marfan Syndrome. Identifiers: Orphanet 284963, Orphanet 558, MedGen C0024796, MONDO:0007947, OMIM 154700.
FBN1-related disorder. Also called: FBN1-related disorders.

Allele frequency attached by ClinVar (database versions not stated): gnomAD exomes 0.00001.
gnomAD v4.1: 11 of 1,614,190 alleles (0.00068%); highest among the groups gnomAD compares: East Asian, 0.0022%; no homozygotes.

Submissions (2):

PreventionGenetics, part of Exact Sciences
Classification: Likely benign for FBN1-related condition. Last evaluated: 2025-05-02. Review status: criteria provided, single submitter. Criteria: ACMG Guidelines, 2015. Collection method: clinical testing. Allele origin: germline.
Comment: This variant is classified as likely benign based on ACMG/AMP sequence variant interpretation guidelines (Richards et al. 2015 PMID: 25741868, with internal and published modifications).

Labcorp Genetics (formerly Invitae), Labcorp
Classification: Likely benign for Marfan syndrome; Familial thoracic aortic aneurysm and aortic dissection. Last evaluated: 2025-03-04. Review status: criteria provided, single submitter. Criteria: Invitae Variant Classification Sherloc (09022015). Collection method: clinical testing. Allele origin: germline.

NM_000138.5(FBN1):c.4251T>C (p.Asn1417=)

Genes: FBN1 (fibrillin 1; minus strand), LOC126862124 (CDK7 strongly-dependent group 2 enhancer GRCh37_chr15:48764566-48765765; plus strand). Cytogenetic location: 15q21.1.
Variant type: single nucleotide variant.
Coding change: c.4251T>C on transcript NM_000138.5 (MANE Select); coding-DNA position 4251, T replaced by C.
Protein change: p.Asn1417=; no amino-acid change (asparagine 1417 retained).
Molecular consequence: synonymous variant.
Genome position (GRCh38, 1-based): chr15:48,472,636, A>G on the plus strand (T>C on the coding strand, the complement: FBN1 is on the minus strand). VCF-style: chr15-48472636-A-G. GRCh37 (hg19) VCF-style: chr15-48764833-A-G.
Other names: c.4251T>C (NM_000138.4).
Identifiers: ClinVar variation 1112504 (VCV001112504.10), dbSNP rs1428390270, ClinGen allele CA490013564.